The following is an entry in ClinVar:

ClinVar aggregate classification (germline): Uncertain significance (1 of 4 stars; one submission).

Conditions:
Nephrolithiasis/nephrocalcinosis. Identifiers: MedGen CN580796.

Submission:

Ambry Genetics
Classification: Uncertain significance for Nephrolithiasis/nephrocalcinosis. Last evaluated: 2021-10-25. Review status: criteria provided, single submitter. Criteria: Ambry Variant Classification Scheme 2023. Collection method: clinical testing. Allele origin: germline.
Comment: The p.F533V variant (also known as c.1597T>G), located in coding exon 4 of the CASR gene, results from a T to G substitution at nucleotide position 1597. The phenylalanine at codon 533 is replaced by valine, an amino acid with highly similar properties. This amino acid position is conserved. In addition, the in silico prediction for this alteration is inconclusive. Since supporting evidence is limited at this time, the clinical significance of this alteration remains unclear.

NM_000388.4(CASR):c.1597T>G (p.Phe533Val)

Gene: CASR (calcium sensing receptor; plus strand). Cytogenetic location: 3q21.1.
Variant type: single nucleotide variant.
Coding change: c.1597T>G on transcript NM_000388.4 (MANE Select); coding-DNA position 1597, T replaced by G.
Protein change: p.Phe533Val; replaces phenylalanine 533 with valine.
Molecular consequence: missense variant.
Genome position (GRCh38, 1-based): chr3:122,276,031, T>G. VCF-style: chr3-122276031-T-G. GRCh37 (hg19) VCF-style: chr3-121994878-T-G.
Other names: c.1597T>G, p.Phe533Val (NM_001178065.2); short protein forms F533V.
Identifiers: ClinVar variation 1776034 (VCV001776034.2), dbSNP rs2074815746, ClinGen allele CA354155569.